The following is an entry in ClinVar:

ClinVar aggregate classification (germline): Conflicting classifications of pathogenicity. Review status: criteria provided, conflicting classifications (1 of 4 stars). 2 submissions from 2 submitters: Uncertain significance (1); Likely benign (1). Last evaluated 2025-05-01.

Conditions:
Inborn genetic diseases. Identifiers: MedGen C0950123, MeSH D030342.

Allele frequency attached by ClinVar (database versions not stated): TOPMed 0.00003; gnomAD 0.00004; gnomAD exomes 0.00004; ExAC 0.00005; ESP Exome Variant Server 0.00008.

Submissions (2):

CeGaT Center for Human Genetics Tuebingen
Classification: Likely benign. Last evaluated: 2025-05-01. Review status: criteria provided, single submitter. Criteria: CeGaT Center For Human Genetics Tuebingen Variant Classification Criteria Version 2. Collection method: clinical testing. Allele origin: germline. Affected: yes. Observed: 1 variant allele.
Comment: SRRM2: BS1

Ambry Genetics
Classification: Uncertain significance for Inborn genetic diseases. Last evaluated: 2021-12-06. Review status: criteria provided, single submitter. Criteria: Ambry Variant Classification Scheme 2023. Collection method: clinical testing. Allele origin: germline.

NM_016333.4(SRRM2):c.649A>C (p.Lys217Gln)

Gene: SRRM2 (serine/arginine repetitive matrix 2; plus strand). Cytogenetic location: 16p13.3.
Variant type: single nucleotide variant.
Coding change: c.649A>C on transcript NM_016333.4 (MANE Select); coding-DNA position 649, A replaced by C.
Protein change: p.Lys217Gln; replaces lysine 217 with glutamine.
Molecular consequence: missense variant.
Genome position (GRCh38, 1-based): chr16:2,759,040, A>C. VCF-style: chr16-2759040-A-C. GRCh37 (hg19) VCF-style: chr16-2809041-A-C.
Other names: short protein forms K217Q.
Identifiers: ClinVar variation 2357999 (VCV002357999.12), dbSNP rs370376771, ClinGen allele CA7846883.